The following is an entry in ClinVar:

ClinVar aggregate classification (germline): Uncertain significance (1 of 4 stars; one submission).

Conditions:
Mucopolysaccharidosis, MPS-III-B (MPS3B). Also called: N-ACETYL-ALPHA-D-GLUCOSAMINIDASE DEFICIENCY; NAGLU DEFICIENCY; SANFILIPPO SYNDROME B; MPS III B; Mucopolysaccharidosis type IIIB (Sanfilippo B); MPS IIIB (Sanfilippo Syndrome Type B). Identifiers: Orphanet 79270, MedGen C0086648, MONDO:0009656, OMIM 252920.
Charcot-Marie-Tooth disease axonal type 2V. Also called: CHARCOT-MARIE-TOOTH NEUROPATHY, TYPE 2V; CHARCOT-MARIE-TOOTH DISEASE, AXONAL, AUTOSOMAL DOMINANT, TYPE 2V. Identifiers: Orphanet 447964, MedGen C5569050, MONDO:0014665, OMIM 616491.

Submission:

Labcorp Genetics (formerly Invitae), Labcorp
Classification: Uncertain significance for Charcot-Marie-Tooth disease axonal type 2V; Mucopolysaccharidosis, MPS-III-B. Last evaluated: 2021-09-01. Review status: criteria provided, single submitter. Criteria: Invitae Variant Classification Sherloc (09022015). Collection method: clinical testing. Allele origin: germline.
Comment: This sequence change replaces phenylalanine with leucine at codon 637 of the NAGLU protein (p.Phe637Leu). The phenylalanine residue is weakly conserved and there is a small physicochemical difference between phenylalanine and leucine. This variant is not present in population databases (ExAC no frequency). This variant has not been reported in the literature in individuals affected with NAGLU-related conditions. Advanced modeling of protein sequence and biophysical properties (such as structural, functional, and spatial information, amino acid conservation, physicochemical variation, residue mobility, and thermodynamic stability) performed at Invitae indicates that this missense variant is not expected to disrupt NAGLU protein function. In summary, the available evidence is currently insufficient to determine the role of this variant in disease. Therefore, it has been classified as a Variant of Uncertain Significance.

NM_000263.4(NAGLU):c.1911C>G (p.Phe637Leu)

Gene: NAGLU (N-acetyl-alpha-glucosaminidase; plus strand). Cytogenetic location: 17q21.2.
Variant type: single nucleotide variant.
Coding change: c.1911C>G on transcript NM_000263.4 (MANE Select); coding-DNA position 1911, C replaced by G.
Protein change: p.Phe637Leu; replaces phenylalanine 637 with leucine.
Molecular consequence: missense variant.
Genome position (GRCh38, 1-based): chr17:42,543,917, C>G. VCF-style: chr17-42543917-C-G. GRCh37 (hg19) VCF-style: chr17-40695935-C-G.
Other names: short protein forms F637L.
Identifiers: ClinVar variation 1913786 (VCV001913786.2), dbSNP rs1449526218, ClinGen allele CA399605447.